The following is an entry in ClinVar:

ClinVar aggregate classification (germline): Uncertain significance (1 of 4 stars; one submission).

Conditions:
Cardiovascular phenotype. Identifiers: MedGen CN230736.

gnomAD v4.1: 3 of 1,613,962 alleles (0.00019%); highest among the groups gnomAD compares: African/African-American, 0.0027%; no homozygotes.

Submission:

Ambry Genetics
Classification: Uncertain significance for Cardiovascular phenotype. Last evaluated: 2021-12-16. Review status: criteria provided, single submitter. Criteria: Ambry Variant Classification Scheme 2023. Collection method: clinical testing. Allele origin: germline.
Comment: The p.Q7P variant (also known as c.20A>C), located in coding exon 1 of the AKAP9 gene, results from an A to C substitution at nucleotide position 20. The glutamine at codon 7 is replaced by proline, an amino acid with similar properties. This amino acid position is conserved. In addition, this alteration is predicted to be tolerated by in silico analysis. Since supporting evidence is limited at this time, the clinical significance of this alteration remains unclear.

NM_005751.5(AKAP9):c.20A>C (p.Gln7Pro)

Genes: AKAP9 (A-kinase anchoring protein 9; plus strand), LOC129998788 (ATAC-STARR-seq lymphoblastoid active region 26256; plus strand). Cytogenetic location: 7q21.2.
Variant type: single nucleotide variant.
Coding change: c.20A>C on transcript NM_005751.5 (MANE Select); coding-DNA position 20, A replaced by C.
Protein change: p.Gln7Pro; replaces glutamine 7 with proline.
Molecular consequence: missense variant.
Genome position (GRCh38, 1-based): chr7:91,941,119, A>C. VCF-style: chr7-91941119-A-C. GRCh37 (hg19) VCF-style: chr7-91570433-A-C.
Other names: c.20A>C, p.Gln7Pro (NM_147185.3); short protein forms Q7P.
Identifiers: ClinVar variation 1785872 (VCV001785872.2), dbSNP rs183942717, ClinGen allele CA368119094.